The following is an entry in ClinVar:

ClinVar aggregate classification (germline): Benign. Review status: criteria provided, multiple submitters, no conflicts (2 of 4 stars). 4 submissions from 4 submitters: Benign (4). Last evaluated 2022-03-15.

Conditions:
Autosomal dominant nonsyndromic hearing loss 56. Also called: Deafness, autosomal dominant 56. Identifiers: Orphanet 90635, MedGen C3810170, MONDO:0014283, OMIM 615629.

Allele frequency attached by ClinVar (database versions not stated): gnomAD exomes 0.00076; ExAC 0.00093; 1000 Genomes Project 0.00160; 1000 Genomes Project 30x 0.00187; gnomAD 0.00295 and 0.00324; TOPMed 0.00330; ESP Exome Variant Server 0.00369.
gnomAD v4.1: 891 of 1,614,176 alleles (0.055%); highest among the groups gnomAD compares: African/African-American, 1%; 4 homozygotes.

Submissions (4):

Genome-Nilou Lab
Classification: Benign for Autosomal dominant nonsyndromic hearing loss 56. Last evaluated: 2022-03-15. Review status: criteria provided, single submitter. Criteria: ACMG Guidelines, 2015. Collection method: clinical testing. Allele origin: germline. Affected: no.

GeneDx
Classification: Benign. Last evaluated: 2020-08-17. Review status: criteria provided, single submitter. Criteria: GeneDx Variant Classification Process June 2021. Collection method: clinical testing. Allele origin: germline. Affected: yes.
Comment: This variant is associated with the following publications: (PMID: 28473662)

Labcorp Genetics (formerly Invitae), Labcorp
Classification: Benign. Last evaluated: 2018-07-13. Review status: criteria provided, single submitter. Criteria: Invitae Variant Classification Sherloc (09022015). Collection method: clinical testing. Allele origin: germline.

Breakthrough Genomics
Classification: Benign. Review status: criteria provided, single submitter. Criteria: ACMG Guidelines, 2015. Collection method: not provided. Allele origin: germline. Inheritance: Autosomal dominant inheritance. Affected: yes.

NM_002160.4(TNC):c.3286G>A (p.Ala1096Thr)

Gene: TNC (tenascin C; minus strand). Cytogenetic location: 9q33.1.
Variant type: single nucleotide variant.
Coding change: c.3286G>A on transcript NM_002160.4 (MANE Select); coding-DNA position 3286, G replaced by A.
Protein change: p.Ala1096Thr; replaces alanine 1096 with threonine.
Molecular consequence: missense variant.
Genome position (GRCh38, 1-based): chr9:115,064,848, C>T on the plus strand (G>A on the coding strand, the complement: TNC is on the minus strand). VCF-style: chr9-115064848-C-T. GRCh37 (hg19) VCF-style: chr9-117827127-C-T.
Other names: short protein forms A1096T.
Identifiers: ClinVar variation 716393 (VCV000716393.6), dbSNP rs138406927, ClinGen allele CA5208268.